The following is an entry in ClinVar:

NM_000492.4(CFTR):c.2816A>G (p.His939Arg)

Gene: CFTR (CF transmembrane conductance regulator; plus strand). Cytogenetic location: 7q31.2.
Variant type: single nucleotide variant.
Coding change: c.2816A>G on transcript NM_000492.4 (MANE Select); coding-DNA position 2816, A replaced by G.
Protein change: p.His939Arg; replaces histidine 939 with arginine.
Molecular consequence: missense variant.
Genome position (GRCh38, 1-based): chr7:117,603,690, A>G. VCF-style: chr7-117603690-A-G. GRCh37 (hg19) VCF-style: chr7-117243744-A-G.
Other names: short protein forms H939R.
Identifiers: ClinVar variation 53573 (VCV000053573.7), dbSNP rs397508440, ClinGen allele CA326935.

ClinVar aggregate classification (germline): Conflicting classifications of pathogenicity. Review status: criteria provided, conflicting classifications (1 of 4 stars). 4 submissions from 4 submitters: Pathogenic (2); Likely pathogenic (1); Uncertain significance (1). Last evaluated 2025-09-25.

Conditions:
Cystic fibrosis (CF). Also called: MUCOVISCIDOSIS. Identifiers: Orphanet 586, MedGen C0010674, MONDO:0009061, OMIM 219700. Disease mechanism: loss of function.

Submissions (4):

Women's Health and Genetics/Laboratory Corporation of America, LabCorp
Classification: Likely pathogenic for Cystic fibrosis. Last evaluated: 2025-09-25. Review status: criteria provided, single submitter. Criteria: LabCorp Variant Classification Summary - May 2015. Collection method: clinical testing. Allele origin: germline.
Comment: Variant summary: CFTR c.2816A>G (p.His939Arg) results in a non-conservative amino acid change located in the ABC transporter type 1, transmembrane domain (IPR011527) of the encoded protein sequence. Algorithms developed to predict the effect of missense changes on protein structure and function all suggest that this variant is likely to be disruptive. Several computational tools predict a significant impact on normal splicing: Three predict the variant creates a 5' donor site. At least one publication reports experimental evidence that this variant affects mRNA splicing, resulting in the activation of a cryptic 5' donor site and leading to a frameshift (e.g., Lee_2017). The variant was absent in 251404 control chromosomes (gnomAD). c.2816A>G has been observed as an isolated variant in individuals affected with Cystic Fibrosis (at least two ascertainments; e.g., Claustres_2000, Trimble_2018), CBAVD (at least one ascertainment; e.g., Claustres_2000), newborns with very high immunoreactive trypsinogen levels (at least one ascertainment; e.g., Kay_2015). It has also been reported as a complex allele in cis with p.H949L and another disease causing CF variant in trans (i.e., compound heterozygous genotype) in patients with CF (at least four ascertainments) and CFTR-RD (at-least one ascertainment) (e.g., Polizzi_2011, Diana_2016, Paganin_2015). These data indicate that the variant may be associated with disease. Publications report experimental evidence evaluating an impact on protein function. The most pronounced variant effect resulted in approximately 27% of normal chloride channel conductance relative to wild type (e.g., Bihler_2024). The following publications have been ascertained in the context of this evaluation (PMID: 12186867, 10923036, 26911355, 33085659, 26098992, 28475858, 25898134, 21931512, 29371133, 38388235). ClinVar contains an entry for this variant (Variation ID: 53573). Based on the evidence outlined above, the variant was classified as likely pathogenic.

Dasa
Classification: Pathogenic. Last evaluated: 2025-03-11. Review status: criteria provided, single submitter. Criteria: DASA Assertion Criteria. Collection method: clinical testing. Allele origin: germline.
Comment: NM_000492.4(CFTR):c.2816A>G (p.His939Arg) is a missense variant that results in the substitution of histidine with arginine. This variant has been observed in affected individuals with related phenotype in a genotype context consistent with recessive disease (PMID: 28475858; PMID: 29371133; PMID: 10923036; PMID: 26911355; PMID: 25898134). Functional evidence supports a deleterious effect on the gene or gene product (PMID: 28475858; PMID: 29371133; PMID: 10923036; PMID: 26911355; PMID: 25898134). This variant has been recurrently observed in individuals with related phenotype (PMID: 28475858; PMID: 29371133; PMID: 10923036; PMID: 26911355; PMID: 25898134). Multiple computational predictions support a deleterious effect on the gene or gene product. The variant is present at low frequency in population datasets. Based on the available data, this variant is classified as pathogenic.

GeneDx
Classification: Uncertain significance. Last evaluated: 2024-12-23. Review status: criteria provided, single submitter. Criteria: GeneDx Variant Classification Process June 2021. Collection method: clinical testing. Allele origin: germline. Affected: yes.
Comment: Published functional studies for p.H939R are conflicting; near absent expression of mature protein (PMID :28475858) verses insignificant change in protein maturation rate (PMID: 38388235); Not observed at significant frequency in large population cohorts (gnomAD); In silico analysis supports a deleterious effect on splicing; In silico analysis supports that this missense variant has a deleterious effect on protein structure/function; This variant is associated with the following publications: (PMID: 10923036, 28475858, 12186867, 38388235, 33085659, 29371133, 26911355, 35652053, 33922413, 39262237, 25898134, 26098992, 35527187, 21931512)

Ambry Genetics
Classification: Pathogenic for Cystic fibrosis. Last evaluated: 2021-10-11. Review status: criteria provided, single submitter. Criteria: Ambry Variant Classification Scheme 2023. Collection method: clinical testing. Allele origin: germline.
Comment: The p.H939R pathogenic mutation (also known as c.2816A>G), located in coding exon 17 of the CFTR gene, results from an A to G substitution at nucleotide position 2816. The histidine at codon 939 is replaced by arginine, an amino acid with highly similar properties. This variant was also reported as part of a complex allele [H939R;H949L] in five individuals from an Italian CF cohort, all of whom had another CFTR variant identified as in trans; four of the cases had classic CF phenotypes, and one had CFTR-related disease (Polizzi A et al. Genet. Mol. Biol., 2011 Jul;34:416-20). A minigene assay with this alteration showed a 97-nucleotide deletion due to activation of a cryptic donor site, leading to out-of-frame transcript. In addition, p.H939R resulted in misfolded protein when translated (Lee M et al. Am J Hum Genet, 2017 May;100:751-765). Based on the supporting evidence, this alteration is interpreted as a disease-causing mutation.

Literature cited by the submitters: PubMed 10923036 (cited by 3 submitters); PubMed 21931512 (cited by 3 submitters); PubMed 12186867 (cited by Women's Health and Genetics/Laboratory Corporation of America, LabCorp); PubMed 26098992 (cited by Women's Health and Genetics/Laboratory Corporation of America, LabCorp); PubMed 26911355 (cited by Women's Health and Genetics/Laboratory Corporation of America, LabCorp and Dasa); PubMed 33085659 (cited by Women's Health and Genetics/Laboratory Corporation of America, LabCorp and Ambry Genetics); PubMed 28475858 (cited by Women's Health and Genetics/Laboratory Corporation of America, LabCorp and Dasa); PubMed 25898134 (cited by Women's Health and Genetics/Laboratory Corporation of America, LabCorp and Dasa); PubMed 29371133 (cited by Women's Health and Genetics/Laboratory Corporation of America, LabCorp and Dasa); PubMed 38388235 (cited by Women's Health and Genetics/Laboratory Corporation of America, LabCorp).